The following is an entry in ClinVar:

NM_003839.4(TNFRSF11A):c.488T>G (p.Phe163Cys)

Gene: TNFRSF11A (TNF receptor superfamily member 11a; plus strand). Cytogenetic location: 18q21.33.
Variant type: single nucleotide variant.
Coding change: c.488T>G on transcript NM_003839.4 (MANE Select); coding-DNA position 488, T replaced by G.
Protein change: p.Phe163Cys; replaces phenylalanine 163 with cysteine.
Molecular consequence: missense variant.
Genome position (GRCh38, 1-based): chr18:62,358,308, T>G. VCF-style: chr18-62358308-T-G. GRCh37 (hg19) VCF-style: chr18-60025541-T-G.
Other names: c.488T>G, p.Phe163Cys (NM_001270949.2, NM_001270950.2, NM_001270951.2); c.446T>G, p.Phe149Cys (NM_001278268.2); short protein forms F149C, F163C.
Identifiers: ClinVar variation 4292412 (VCV004292412.1).

ClinVar aggregate classification (germline): Uncertain significance (1 of 4 stars; one submission).

Conditions:
Autosomal recessive osteopetrosis 7. Identifiers: Orphanet 178389, MedGen C2676766, MONDO:0012859, OMIM 612301.

gnomAD v4.1: 1 of 1,613,682 alleles (0.000062%); highest among the groups gnomAD compares: Non-Finnish European, 0.000085%; no homozygotes.

Submission:

3billion
Classification: Uncertain significance for Autosomal recessive osteopetrosis 7. Last evaluated: 2024-07-08. Review status: criteria provided, single submitter. Criteria: ACMG Guidelines, 2015. Collection method: clinical testing. Allele origin: germline. Affected: yes.
Comment: The variant is observed at an extremely low frequency in the gnomAD v4.0.0 dataset (total allele frequency: <0.001%). Predicted Consequence/Location: Missense variant In silico tool predictions suggest no damaging effect of the variant on gene or gene product [REVEL: 0.13 (<0.4); 3Cnet: 0.01 (<0.15, specificity 0.78 and negative predictive value 0.92)]. Therefore, this variant is classified as VUS according to the recommendation of ACMG/AMP guideline.